The following is an entry in ClinVar:

ClinVar aggregate classification (germline): Uncertain significance (1 of 4 stars; one submission).

Conditions:
Familial thoracic aortic aneurysm and aortic dissection (TAAD). Also called: Thoracic aortic aneurysms and dissections. Identifiers: Orphanet 91387, MedGen C4707243, MONDO:0019625.

Submission:

Ambry Genetics
Classification: Uncertain significance for Familial thoracic aortic aneurysm and aortic dissection. Last evaluated: 2026-02-22. Review status: criteria provided, single submitter. Criteria: Ambry Variant Classification Scheme 2023. Collection method: clinical testing. Allele origin: germline.
Comment: The p.Y556F variant (also known as c.1667A>T), located in coding exon 16 of the PLOD1 gene, results from an A to T substitution at nucleotide position 1667. The tyrosine at codon 556 is replaced by phenylalanine, an amino acid with highly similar properties. This amino acid position is conserved. In addition, the in silico prediction for this alteration is inconclusive. Based on the available evidence, the clinical significance of this variant remains unclear.

NM_000302.4(PLOD1):c.1667A>T (p.Tyr556Phe)

Gene: PLOD1 (procollagen-lysine,2-oxoglutarate 5-dioxygenase 1; plus strand). Cytogenetic location: 1p36.22.
Variant type: single nucleotide variant.
Coding change: c.1667A>T on transcript NM_000302.4 (MANE Select); coding-DNA position 1667, A replaced by T.
Protein change: p.Tyr556Phe; replaces tyrosine 556 with phenylalanine.
Molecular consequence: missense variant.
Genome position (GRCh38, 1-based): chr1:11,967,003, A>T. VCF-style: chr1-11967003-A-T. GRCh37 (hg19) VCF-style: chr1-12027060-A-T.
Other names: c.1808A>T, p.Tyr603Phe (NM_001316320.2); short protein forms Y556F, Y603F.
Identifiers: ClinVar variation 4826523 (VCV004826523.1).